The following is an entry in ClinVar:

ClinVar aggregate classification (germline): Uncertain significance (1 of 4 stars; one submission).

Conditions:
SEMA3D-related disorder. Also called: SEMA3D-related condition.

Submission:

PreventionGenetics, part of Exact Sciences
Classification: Uncertain significance for SEMA3D-related condition. Last evaluated: 2026-06-24. Review status: criteria provided, single submitter. Criteria: ACMG Guidelines, 2015. Collection method: clinical testing. Allele origin: germline.
Comment: The SEMA3D c.613G>A variant is predicted to result in the amino acid substitution p.Ala205Thr. To our knowledge, this variant has not been reported in the literature. This variant is reported in 0.0062% of alleles in individuals of African descent in gnomAD. At this time, the clinical significance of this variant is uncertain due to the absence of conclusive functional and genetic evidence.

NM_001384900.1(SEMA3D):c.613G>A (p.Ala205Thr)

Gene: SEMA3D (semaphorin 3D; minus strand). Cytogenetic location: 7q21.11.
Variant type: single nucleotide variant.
Coding change: c.613G>A on transcript NM_001384900.1 (MANE Select); coding-DNA position 613, G replaced by A.
Protein change: p.Ala205Thr; replaces alanine 205 with threonine.
Molecular consequence: missense variant.
Genome position (GRCh38, 1-based): chr7:85,065,529, C>T on the plus strand (G>A on the coding strand, the complement: SEMA3D is on the minus strand). VCF-style: chr7-85065529-C-T. GRCh37 (hg19) VCF-style: chr7-84694845-C-T.
Other names: c.613G>A, p.Ala205Thr (NM_001384901.1, NM_001384902.1, NM_001384903.1 and 1 more transcripts); short protein forms A205T.
Identifiers: ClinVar variation 4984957 (VCV004984957.1).
Genomic context (GRCh38, chr7:85,065,529, plus strand): 5'-GGTCATGAGTAGGCCCAAGGGATCGAGTGAATGCAGTATCTTTGCCAAGGAAATCAGAAG[C>T]TGTTCCAGAGTAGAGGTACTCATCTGAGAGGGAGAAAAAAGTACACAGAACTTTTAAGAG-3'
Protein context (NP_001371829.1, residues 195-215): MTDEYLYSGT[Ala205Thr]SDFLGKDTAF